The following is an entry in ClinVar:

ClinVar aggregate classification (germline): Uncertain significance. Review status: criteria provided, multiple submitters, no conflicts (2 of 4 stars). 2 submissions from 2 submitters: Uncertain significance (2). Last evaluated 2025-02-05.

Conditions:
Cardiovascular phenotype. Identifiers: MedGen CN230736.
Progressive familial heart block type IB (PFHB1B). Identifiers: Orphanet 871, MedGen C1970298, MONDO:0011474, OMIM 604559.

Allele frequency attached by ClinVar (database versions not stated): gnomAD 0.00001; gnomAD exomes 0.00001; TOPMed 0.00001.
gnomAD v4.1: 14 of 1,614,028 alleles (0.00087%); highest among the groups gnomAD compares: Non-Finnish European, 0.0012%; no homozygotes.

Submissions (2):

Labcorp Genetics (formerly Invitae), Labcorp
Classification: Uncertain significance for Progressive familial heart block type IB. Last evaluated: 2025-02-05. Review status: criteria provided, single submitter. Criteria: Invitae Variant Classification Sherloc (09022015). Collection method: clinical testing. Allele origin: germline.
Comment: This sequence change replaces alanine, which is neutral and non-polar, with valine, which is neutral and non-polar, at codon 566 of the TRPM4 protein (p.Ala566Val). This variant is not present in population databases (gnomAD no frequency). This variant has not been reported in the literature in individuals affected with TRPM4-related conditions. ClinVar contains an entry for this variant (Variation ID: 665360). An algorithm developed to predict the effect of missense changes on protein structure and function (PolyPhen-2) suggests that this variant is likely to be disruptive. In summary, the available evidence is currently insufficient to determine the role of this variant in disease. Therefore, it has been classified as a Variant of Uncertain Significance.

Ambry Genetics
Classification: Uncertain significance for Cardiovascular phenotype. Last evaluated: 2022-11-04. Review status: criteria provided, single submitter. Criteria: Ambry Variant Classification Scheme 2023. Collection method: clinical testing. Allele origin: germline.
Comment: The p.A566V variant (also known as c.1697C>T), located in coding exon 12 of the TRPM4 gene, results from a C to T substitution at nucleotide position 1697. The alanine at codon 566 is replaced by valine, an amino acid with similar properties. This variant co-occurred with a variant in the SCN10A gene in a sudden death case with hypertrophic cardiomyopathy on autopsy (Torkamani A et al. JAMA, 2016 Oct;316:1492-1494; Rueda M et al. Front Cardiovasc Med, 2017 Nov;4:72). This amino acid position is highly conserved in available vertebrate species. In addition, the in silico prediction for this alteration is inconclusive. Since supporting evidence is limited at this time, the clinical significance of this alteration remains unclear.

Literature cited by the submitters: PubMed 27727376 (cited by Ambry Genetics); PubMed 29181379 (cited by Ambry Genetics).

NM_017636.4(TRPM4):c.1697C>T (p.Ala566Val)

Gene: TRPM4 (transient receptor potential cation channel subfamily M member 4; plus strand). Cytogenetic location: 19q13.33.
Variant type: single nucleotide variant.
Coding change: c.1697C>T on transcript NM_017636.4 (MANE Select); coding-DNA position 1697, C replaced by T.
Protein change: p.Ala566Val; replaces alanine 566 with valine.
Molecular consequence: missense variant.
Genome position (GRCh38, 1-based): chr19:49,183,166, C>T. VCF-style: chr19-49183166-C-T. GRCh37 (hg19) VCF-style: chr19-49686423-C-T.
Other names: c.1697C>T, p.Ala566Val (NM_001195227.2); c.1352C>T, p.Ala451Val (NM_001321281.2); c.89C>T, p.Ala30Val (NM_001321282.2); c.1175C>T, p.Ala392Val (NM_001321283.2); c.635C>T, p.Ala212Val (NM_001321285.2); short protein forms A212V, A451V, A566V, A392V, A30V.
Identifiers: ClinVar variation 665360 (VCV000665360.10), dbSNP rs1305383202, ClinGen allele CA406800590.
Genomic context (GRCh38, chr19:49,183,166, plus strand): 5'-CGCCGCTCTCGCTGGATGCTGGCCTCGGGCAGGCCCCCTGGAGCGACCTGCTTCTTTGGG[C>T]ACTGTTGCTGAACAGGGCACAGATGGCCATGTACTTCTGGGAGATGGTGAGTGCTGACTT-3'
Protein context (NP_060106.2, residues 556-576): QAPWSDLLLW[Ala566Val]LLLNRAQMAM